The following is an entry in ClinVar:

ClinVar aggregate classification (germline): Uncertain significance (1 of 4 stars; one submission).

Submission:

Labcorp Genetics (formerly Invitae), Labcorp
Classification: Uncertain significance. Last evaluated: 2022-04-27. Review status: criteria provided, single submitter. Criteria: Invitae Variant Classification Sherloc (09022015). Collection method: clinical testing. Allele origin: germline.
Comment: This variant has not been reported in the literature in individuals affected with COL27A1-related conditions. This variant, c.3129_3130delinsTT, is a complex sequence change that results in the deletion of 2 and insertion of 2 amino acid(s) in the COL27A1 protein (p.Glu1043_Pro1044delinsAspSer). Information on the frequency of this variant in the gnomAD database is not available, as this variant may be reported differently in the database. Experimental studies and prediction algorithms are not available or were not evaluated, and the functional significance of this variant is currently unknown. In summary, the available evidence is currently insufficient to determine the role of this variant in disease. Therefore, it has been classified as a Variant of Uncertain Significance.

NM_032888.4(COL27A1):c.3129_3130delinsTT (p.Glu1043_Pro1044delinsAspSer)

Gene: COL27A1 (collagen type XXVII alpha 1 chain; plus strand). Cytogenetic location: 9q32.
Variant type: Indel.
Coding change: c.3129_3130delinsTT on transcript NM_032888.4 (MANE Select); coding-DNA positions 3129 to 3130, GC replaced by TT.
Protein change: p.Glu1043_Pro1044delinsAspSer.
Molecular consequence: missense variant.
Genome position (GRCh38, 1-based): chr9:114,252,920-114,252,921, GC replaced by TT. VCF-style: chr9-114252920-GC-TT. GRCh37 (hg19) VCF-style: chr9-117015200-GC-TT.
Identifiers: ClinVar variation 2027955 (VCV002027955.2), dbSNP rs2491292621, ClinGen allele CA2580079460.
Genomic context (GRCh38, chr9:114,252,920, plus strand): 5'-GTCTTCTCTGTCTTGGCAGGGTCATCCTGGAATGCCAGGTGGTATGGGGACCCCTGGAGA[GC>TT]CTGGACCCCAGGTAAGCAAAGCCCTCGTGATCCCTAAGCTCAAACCACTGTCAGATAAGG-3'